The following is an entry in ClinVar:

NM_000231.3(SGCG):c.578+281T>C

Gene: SGCG (sarcoglycan gamma; plus strand). Cytogenetic location: 13q12.12.
Variant type: single nucleotide variant.
Coding change: c.578+281T>C on transcript NM_000231.3 (MANE Select); 281 bases into the intron after coding-DNA position 578, T replaced by C.
Molecular consequence: intron variant.
Genome position (GRCh38, 1-based): chr13:23,295,768, T>C. VCF-style: chr13-23295768-T-C. GRCh37 (hg19) VCF-style: chr13-23869907-T-C.
Other names: c.632+281T>C (NM_001378244.1); c.578+281T>C (NM_001378245.1, NM_001378246.1).
Identifiers: ClinVar variation 684357 (VCV000684357.1), dbSNP rs4411362, ClinGen allele CA13805897.

ClinVar aggregate classification (germline): Benign (1 of 4 stars; one submission).

Allele frequency attached by ClinVar (database versions not stated): gnomAD 0.35909 and 0.36758; TOPMed 0.37442; 1000 Genomes Project 30x 0.46393; 1000 Genomes Project 0.46945.
gnomAD v4.1: 55,941 of 152,106 alleles (37%); highest among the groups gnomAD compares: East Asian, 78%; 10,934 homozygotes.

Submission:

GeneDx
Classification: Benign. Last evaluated: 2018-06-18. Review status: criteria provided, single submitter. Criteria: GeneDx Variant Classification (06012015). Collection method: clinical testing. Allele origin: germline. Affected: yes.
Comment: This variant is considered likely benign or benign based on one or more of the following criteria: it is a conservative change, it occurs at a poorly conserved position in the protein, it is predicted to be benign by multiple in silico algorithms, and/or has population frequency not consistent with disease.